The following is an entry in ClinVar:

ClinVar aggregate classification (germline): Uncertain significance (1 of 4 stars; one submission).

Allele frequency attached by ClinVar (database versions not stated): gnomAD exomes 0.00001 and 0.00002; ExAC 0.00002; TOPMed 0.00002.
gnomAD v4.1: 16 of 1,614,060 alleles (0.00099%); highest among the groups gnomAD compares: East Asian, 0.036%; no homozygotes.

Submission:

Labcorp Genetics (formerly Invitae), Labcorp
Classification: Uncertain significance. Last evaluated: 2022-10-25. Review status: criteria provided, single submitter. Criteria: Invitae Variant Classification Sherloc (09022015). Collection method: clinical testing. Allele origin: germline.
Comment: This sequence change replaces lysine, which is basic and polar, with arginine, which is basic and polar, at codon 202 of the POLG2 protein (p.Lys202Arg). This variant is present in population databases (rs781804821, gnomAD 0.03%). This variant has not been reported in the literature in individuals affected with POLG2-related conditions. ClinVar contains an entry for this variant (Variation ID: 1426299). Algorithms developed to predict the effect of missense changes on protein structure and function output the following: SIFT: "Tolerated"; PolyPhen-2: "Benign"; Align-GVGD: "Class C0". The arginine amino acid residue is found in multiple mammalian species, which suggests that this missense change does not adversely affect protein function. In summary, the available evidence is currently insufficient to determine the role of this variant in disease. Therefore, it has been classified as a Variant of Uncertain Significance.

NM_007215.4(POLG2):c.605A>G (p.Lys202Arg)

Genes: MILR1 (mast cell immunoglobulin like receptor 1; plus strand), POLG2 (DNA polymerase gamma 2, accessory subunit; minus strand). Cytogenetic location: 17q23.3.
Variant type: single nucleotide variant.
Coding change: c.605A>G on transcript NM_007215.4 (MANE Select); coding-DNA position 605, A replaced by G.
Protein change: p.Lys202Arg; replaces lysine 202 with arginine.
Molecular consequence: missense variant.
Genome position (GRCh38, 1-based): chr17:64,492,979, T>C on the plus strand (A>G on the coding strand, the complement: POLG2 is on the minus strand). VCF-style: chr17-64492979-T-C. GRCh37 (hg19) VCF-style: chr17-62489096-T-C.
Other names: short protein forms K202R.
Identifiers: ClinVar variation 1426299 (VCV001426299.7), dbSNP rs781804821, ClinGen allele CA8712972.
Genomic context (GRCh38, chr17:64,492,979, plus strand): 5'-TTAGTGTCAAAAACAGGATGAAAACACACTCCAATCTGAGCAAGGCCATAAGGTAGCCTC[T>C]TGTTTACCAGATCCAGGCAATTAACATAGTGTTCCAAGGCACCTGTCAAAAGATAAATCA-3'
Protein context (NP_009146.2, residues 192-212): HYVNCLDLVN[Lys202Arg]RLPYGLAQIG